The following is an entry in ClinVar:

ClinVar aggregate classification (germline): Uncertain significance. Review status: criteria provided, multiple submitters, no conflicts (2 of 4 stars). 2 submissions from 2 submitters: Uncertain significance (2). Last evaluated 2022-10-17.

Conditions:
Leber congenital amaurosis 8 (LCA8). Identifiers: Orphanet 65, MedGen C3151202, MONDO:0013453, OMIM 613835.
Retinitis pigmentosa 12 (RP12). Also called: RP WITH OR WITHOUT PPRPE; RP WITH OR WITHOUT PRESERVED PARAARTERIOLE RETINAL PIGMENT EPITHELIUM; RETINITIS PIGMENTOSA WITH OR WITHOUT PARAARTERIOLAR PRESERVATION OF RETINAL PIGMENT EPITHELIUM. Identifiers: Orphanet 791, MedGen C1838647, MONDO:0010818, OMIM 600105.

Allele frequency attached by ClinVar (database versions not stated): gnomAD 0.00003 and 0.00004; gnomAD exomes 0.00003 and 0.00006; ExAC 0.00008; TOPMed 0.00003.
gnomAD v4.1: 53 of 1,614,064 alleles (0.0033%); highest among the groups gnomAD compares: African/African-American, 0.004%; no homozygotes.

Submissions (2):

Labcorp Genetics (formerly Invitae), Labcorp
Classification: Uncertain significance for Leber congenital amaurosis 8; Retinitis pigmentosa 12. Last evaluated: 2022-10-17. Review status: criteria provided, single submitter. Criteria: Invitae Variant Classification Sherloc (09022015). Collection method: clinical testing. Allele origin: germline.
Comment: This sequence change replaces arginine, which is basic and polar, with glutamine, which is neutral and polar, at codon 526 of the CRB1 protein (p.Arg526Gln). This variant is present in population databases (rs531283439, gnomAD 0.01%). This variant has not been reported in the literature in individuals affected with CRB1-related conditions. ClinVar contains an entry for this variant (Variation ID: 1057104). Algorithms developed to predict the effect of missense changes on protein structure and function output the following: SIFT: "Tolerated"; PolyPhen-2: "Benign"; Align-GVGD: "Class C0". The glutamine amino acid residue is found in multiple mammalian species, which suggests that this missense change does not adversely affect protein function. In summary, the available evidence is currently insufficient to determine the role of this variant in disease. Therefore, it has been classified as a Variant of Uncertain Significance.

Blueprint Genetics
Classification: Uncertain significance. Last evaluated: 2022-09-09. Review status: criteria provided, single submitter. Criteria: ACMG Guidelines, 2015. Collection method: clinical testing. Allele origin: germline.

NM_201253.3(CRB1):c.1577G>A (p.Arg526Gln)

Gene: CRB1 (crumbs cell polarity complex component 1; plus strand). Cytogenetic location: 1q31.3.
Variant type: single nucleotide variant.
Coding change: c.1577G>A on transcript NM_201253.3 (MANE Select); coding-DNA position 1577, G replaced by A.
Protein change: p.Arg526Gln; replaces arginine 526 with glutamine.
Molecular consequence: missense variant. On other transcripts: non-coding transcript variant (2).
Genome position (GRCh38, 1-based): chr1:197,421,405, G>A. VCF-style: chr1-197421405-G-A. GRCh37 (hg19) VCF-style: chr1-197390535-G-A.
Other names: c.1241G>A, p.Arg414Gln (NM_001193640.2); c.1370G>A, p.Arg457Gln (NM_001257965.2); c.1577G>A, p.Arg526Gln (NM_001257966.2); short protein forms R414Q, R457Q, R526Q.
Identifiers: ClinVar variation 1057104 (VCV001057104.5), dbSNP rs531283439, ClinGen allele CA1311935.
Genomic context (GRCh38, chr1:197,421,405, plus strand): 5'-CAGTTTGTAACATAGCCCTCAGGTTTCAGACTGTTCAGCCAATGGCTCTTCTACTTTTCC[G>A]AAGCAACAGGGATGTGTTTGTGAAGCTGGAGCTGCTAAGTGGCTACATTCACTTATCAAT-3'
Protein context (NP_957705.1, residues 516-536): TVQPMALLLF[Arg526Gln]SNRDVFVKLE